The following is an entry in ClinVar:

ClinVar aggregate classification (germline): Uncertain significance (1 of 4 stars; one submission).

Conditions:
Hereditary cancer-predisposing syndrome. Also called: Neoplastic Syndromes, Hereditary; Hereditary Cancer Syndrome; Hereditary neoplastic syndrome; Tumor predisposition. Identifiers: Orphanet 140162, MedGen C0027672, MeSH D009386, MONDO:0015356.

Submission:

Ambry Genetics
Classification: Uncertain significance for Hereditary cancer-predisposing syndrome. Last evaluated: 2023-03-31. Review status: criteria provided, single submitter. Criteria: Ambry Variant Classification Scheme 2023. Collection method: clinical testing. Allele origin: germline.
Comment: The p.V157A variant (also known as c.470T>C), located in coding exon 4 of the CTNNA1 gene, results from a T to C substitution at nucleotide position 470. The valine at codon 157 is replaced by alanine, an amino acid with similar properties. This amino acid position is conserved. In addition, the in silico prediction for this alteration is inconclusive. Since supporting evidence is limited at this time, the clinical significance of this alteration remains unclear.

NM_001903.5(CTNNA1):c.470T>C (p.Val157Ala)

Gene: CTNNA1 (catenin alpha 1; plus strand). Cytogenetic location: 5q31.2.
Variant type: single nucleotide variant.
Coding change: c.470T>C on transcript NM_001903.5 (MANE Select); coding-DNA position 470, T replaced by C.
Protein change: p.Val157Ala; replaces valine 157 with alanine.
Molecular consequence: missense variant.
Genome position (GRCh38, 1-based): chr5:138,812,184, T>C. VCF-style: chr5-138812184-T-C. GRCh37 (hg19) VCF-style: chr5-138147873-T-C.
Other names: c.470T>C, p.Val157Ala (NM_001290307.3, NM_001323982.2, NM_001323983.1 and 3 more transcripts); c.161T>C, p.Val54Ala (NM_001290309.3); c.101T>C, p.Val34Ala (NM_001290310.3); short protein forms V157A, V34A, V54A.
Identifiers: ClinVar variation 2563270 (VCV002563270.2), dbSNP rs2149736492, ClinGen allele CA361124822.